The following is an entry in ClinVar:

NM_030957.4(ADAMTS10):c.1706C>T (p.Ser569Phe)

Gene: ADAMTS10 (ADAM metallopeptidase with thrombospondin type 1 motif 10; minus strand). Cytogenetic location: 19p13.2.
Variant type: single nucleotide variant.
Coding change: c.1706C>T on transcript NM_030957.4 (MANE Select); coding-DNA position 1706, C replaced by T.
Protein change: p.Ser569Phe; replaces serine 569 with phenylalanine.
Molecular consequence: missense variant.
Genome position (GRCh38, 1-based): chr19:8,591,985, G>A on the plus strand (C>T on the coding strand, the complement: ADAMTS10 is on the minus strand). VCF-style: chr19-8591985-G-A. GRCh37 (hg19) VCF-style: chr19-8656869-G-A.
Other names: c.178C>T, p.Leu60Phe (NM_001282352.2); short protein forms S569F, L60F.
Identifiers: ClinVar variation 2102296 (VCV002102296.4), dbSNP rs2042537550, ClinGen allele CA403752822.

ClinVar aggregate classification (germline): Uncertain significance (1 of 4 stars; one submission).

Allele frequency attached by ClinVar (database versions not stated): gnomAD exomes below 0.00001.

Submission:

Labcorp Genetics (formerly Invitae), Labcorp
Classification: Uncertain significance. Last evaluated: 2022-02-23. Review status: criteria provided, single submitter. Criteria: Invitae Variant Classification Sherloc (09022015). Collection method: clinical testing. Allele origin: germline.
Comment: In summary, the available evidence is currently insufficient to determine the role of this variant in disease. Therefore, it has been classified as a Variant of Uncertain Significance. This sequence change replaces serine, which is neutral and polar, with phenylalanine, which is neutral and non-polar, at codon 569 of the ADAMTS10 protein (p.Ser569Phe). This variant is not present in population databases (gnomAD no frequency). This variant has not been reported in the literature in individuals affected with ADAMTS10-related conditions. Algorithms developed to predict the effect of missense changes on protein structure and function are either unavailable or do not agree on the potential impact of this missense change (SIFT: "Deleterious"; PolyPhen-2: "Benign"; Align-GVGD: "Class C65").